The following is an entry in ClinVar:

NM_014625.4(NPHS2):c.502C>T (p.Arg168Cys)

Gene: NPHS2 (NPHS2 stomatin family member, podocin; minus strand). Cytogenetic location: 1q25.2.
Variant type: single nucleotide variant.
Coding change: c.502C>T on transcript NM_014625.4 (MANE Select); coding-DNA position 502, C replaced by T.
Protein change: p.Arg168Cys; replaces arginine 168 with cysteine.
Molecular consequence: missense variant.
Genome position (GRCh38, 1-based): chr1:179,559,711, G>A on the plus strand (C>T on the coding strand, the complement: NPHS2 is on the minus strand). VCF-style: chr1-179559711-G-A. GRCh37 (hg19) VCF-style: chr1-179528846-G-A.
Other names: c.502C>T, p.Arg168Cys (NM_001297575.2); c.502C>T (NM_014625.3); short protein forms R168C.
Identifiers: ClinVar variation 188952 (VCV000188952.15), dbSNP rs786204583, ClinGen allele CA199102.

ClinVar aggregate classification (germline): Pathogenic/Likely pathogenic. Review status: criteria provided, multiple submitters, no conflicts (2 of 4 stars). 6 submissions from 6 submitters: Pathogenic (2); Likely pathogenic (2). 2 of the submissions do not count toward it. Last evaluated 2026-01-28.

Conditions:
Nephrotic syndrome, type 2 (NPHS2). Also called: NEPHROTIC SYNDROME, STEROID-RESISTANT, AUTOSOMAL RECESSIVE. Identifiers: Orphanet 656, MedGen C1868672, MONDO:0010974, OMIM 600995.
Steroid-resistant nephrotic syndrome. Identifiers: MedGen C0403397, MONDO:0044765, HP:0012588.

Allele frequency attached by ClinVar (database versions not stated): gnomAD exomes below 0.00001.
gnomAD v4.1: 3 of 1,592,208 alleles (0.00019%); highest among the groups gnomAD compares: East Asian, 0.0023%; no homozygotes.

Submissions (6):

Labcorp Genetics (formerly Invitae), Labcorp
Classification: Pathogenic. Last evaluated: 2026-01-28. Review status: criteria provided, single submitter. Criteria: Invitae Variant Classification Sherloc (09022015). Collection method: clinical testing. Allele origin: germline.
Comment: This sequence change replaces arginine, which is basic and polar, with cysteine, which is neutral and slightly polar, at codon 168 of the NPHS2 protein (p.Arg168Cys). This variant is not present in population databases (gnomAD no frequency). This missense change has been observed in individuals with nephrotic syndrome (PMID: 15253708, 30721404, 32604935). ClinVar contains an entry for this variant (Variation ID: 188952). Invitae Evidence Modeling of protein sequence and biophysical properties (such as structural, functional, and spatial information, amino acid conservation, physicochemical variation, residue mobility, and thermodynamic stability) indicates that this missense variant is expected to disrupt NPHS2 protein function with a positive predictive value of 95%. Experimental studies have shown that this missense change affects NPHS2 function (PMID: 14675423). This variant disrupts the p.Arg168 amino acid residue in NPHS2. Other variant(s) that disrupt this residue have been determined to be pathogenic (PMID: 14675423, 15042551, 15059485, 26467726, 28385484). This suggests that this residue is clinically significant, and that variants that disrupt this residue are likely to be disease-causing. For these reasons, this variant has been classified as Pathogenic.

Natera, Inc.
Classification: Pathogenic for Steroid-resistant nephrotic syndrome. Last evaluated: 2025-07-24. Review status: criteria provided, single submitter. Criteria: Natera Variant Classification Schema (03/2026). Collection method: clinical testing. Allele origin: germline.
Comment: The c.502C>T variant in NPHS2 is a missense variant predicted to cause substitution of arginine to cysteine at amino acid 168. This variant is rare in the general population with a frequency below the threshold expected for the associated phenotype(s). This variant has been observed in one or more individuals affected with the associated recessive disease, as either homozygous or compound heterozygous with a second variant (PMID: 38765578, 30721404, 32604935). Functional studies show that this variant may disrupt protein function (PMID: 14675423, 18596732, 29382718). A different variant at the same position has been determined to be Pathogenic or Likely Pathogenic. Computational prediction algorithms indicate this variant is likely to affect gene or protein function. Given the available evidence, this variant is classified as Pathogenic.

Genome-Nilou Lab
Classification: Likely pathogenic for Nephrotic syndrome, type 2. Last evaluated: 2023-04-11. Review status: criteria provided, single submitter. Criteria: ACMG Guidelines, 2015. Collection method: clinical testing. Allele origin: germline. Affected: no.

Juno Genomics, Hangzhou Juno Genomics, Inc
Classification: Likely pathogenic for Nephrotic syndrome, type 2. Review status: criteria provided, single submitter. Criteria: ACMG Guidelines, 2015. Collection method: clinical testing. Allele origin: germline. Affected: yes.
Comment: Absent from controls (or at extremely low frequency if recessive) in Genome Aggregation Database, Exome Sequencing Project, 1000 Genomes Project, or Exome Aggregation Consortium.;Multiple lines of computational evidence support a deleterious effect on the gene or gene product (conservation, evolutionary, splicing impact, etc).;Patient's phenotype or family history is highly specific for a disease with a single genetic etiology.

Counsyl
Classification: Likely pathogenic for Nephrotic syndrome, idiopathic, steroid-resistant. Last evaluated: 2014-09-02. Review status: no assertion criteria provided. Collection method: literature only. Allele origin: unknown. Inheritance: Autosomal recessive inheritance. Not counted in ClinVar's aggregate classification.

Dr.Nikuei Genetic Center
Classification: Pathogenic for Nephrotic syndrome, type 2. Review status: no assertion criteria provided. Collection method: clinical testing. Allele origin: germline. Inheritance: Autosomal recessive inheritance. Affected: yes. Not counted in ClinVar's aggregate classification.

Literature cited by the submitters: PubMed 15253708 (cited by Labcorp Genetics (formerly Invitae), Labcorp and Counsyl); PubMed 30721404 (cited by Labcorp Genetics (formerly Invitae), Labcorp and Natera, Inc.); PubMed 32604935 (cited by Labcorp Genetics (formerly Invitae), Labcorp and Natera, Inc.); PubMed 14675423 (cited by 3 submitters); PubMed 15042551 (cited by Labcorp Genetics (formerly Invitae), Labcorp); PubMed 15059485 (cited by Labcorp Genetics (formerly Invitae), Labcorp); PubMed 26467726 (cited by Labcorp Genetics (formerly Invitae), Labcorp); PubMed 28385484 (cited by Labcorp Genetics (formerly Invitae), Labcorp); PubMed 38765578 (cited by Natera, Inc.); PubMed 18596732 (cited by Natera, Inc. and Counsyl); PubMed 29382718 (cited by Natera, Inc.); PubMed 24072147 (cited by Counsyl).